The following is an entry in ClinVar:

NM_001008212.2(OPTN):c.1490C>G (p.Ala497Gly)

Gene: OPTN (optineurin; plus strand). Cytogenetic location: 10p13.
Variant type: single nucleotide variant.
Coding change: c.1490C>G on transcript NM_001008212.2 (MANE Select); coding-DNA position 1490, C replaced by G.
Protein change: p.Ala497Gly; replaces alanine 497 with glycine.
Molecular consequence: missense variant.
Genome position (GRCh38, 1-based): chr10:13,132,155, C>G. VCF-style: chr10-13132155-C-G. GRCh37 (hg19) VCF-style: chr10-13174155-C-G.
Other names: c.1490C>G, p.Ala497Gly (NM_001008211.1, NM_001008213.1, NM_021980.4); short protein forms A497G.
Identifiers: ClinVar variation 1420539 (VCV001420539.6), dbSNP rs956159636, ClinGen allele CA203270176.

ClinVar aggregate classification (germline): Uncertain significance (1 of 4 stars; one submission).

Conditions:
Primary open angle glaucoma (POAG). Also called: OPTN-related open angle glaucoma. Identifiers: MedGen C0339573, MONDO:0100553, OMIM 137760.
Glaucoma 1, open angle, E. Identifiers: MedGen C1842026, MONDO:0007665.
Amyotrophic lateral sclerosis type 12 (ALS12). Also called: AMYOTROPHIC LATERAL SCLEROSIS 12 WITH OR WITHOUT FRONTOTEMPORAL DEMENTIA. Identifiers: Orphanet 803, MedGen C3150692, MONDO:0013264, OMIM 613435.

Allele frequency attached by ClinVar (database versions not stated): gnomAD exomes below 0.00001; gnomAD 0.00001.
gnomAD v4.1: 7 of 1,613,300 alleles (0.00043%); highest among the groups gnomAD compares: African/African-American, 0.0053%; no homozygotes.

Submission:

Labcorp Genetics (formerly Invitae), Labcorp
Classification: Uncertain significance for Primary open angle glaucoma; Glaucoma 1, open angle, E; Amyotrophic lateral sclerosis type 12. Last evaluated: 2021-09-16. Review status: criteria provided, single submitter. Criteria: Invitae Variant Classification Sherloc (09022015). Collection method: clinical testing. Allele origin: germline.
Comment: In summary, the available evidence is currently insufficient to determine the role of this variant in disease. Therefore, it has been classified as a Variant of Uncertain Significance. Algorithms developed to predict the effect of missense changes on protein structure and function are either unavailable or do not agree on the potential impact of this missense change (SIFT: "Tolerated"; PolyPhen-2: "Probably Damaging"; Align-GVGD: "Class C0"). This variant has not been reported in the literature in individuals affected with OPTN-related conditions. This variant is not present in population databases (ExAC no frequency). This sequence change replaces alanine with glycine at codon 497 of the OPTN protein (p.Ala497Gly). The alanine residue is highly conserved and there is a small physicochemical difference between alanine and glycine.